The following continues an entry in ClinVar:

NM_007294.4(BRCA1):c.815_824dup (p.Thr276fs)

Gene: BRCA1. ClinVar aggregate classification (germline): Pathogenic. Pathogenic (1).

Submissions 21 to 31 of 31:

GeneDx
Classification: Pathogenic. Last evaluated: 2019-12-30. Review status: criteria provided, single submitter. Criteria: GeneDx Variant Classification Process June 2021. Collection method: clinical testing. Allele origin: germline. Affected: yes. Not counted in ClinVar's aggregate classification.
Comment: Frameshift variant predicted to result in protein truncation or nonsense mediated decay in a gene for which loss-of-function is a known mechanism of disease; Observed in individuals with a personal or family history consistent with pathogenic variants in this gene and has been described as a pathogenic founder variant of African origin (Mefford 1999, Pal 2004, Stoppa-Lyonnet 1997, Walsh 2011, Villarreal-Garza 2015, Rummel 2017); Not observed at a significant frequency in large population cohorts (gnomAD); Truncating variants in this gene are considered pathogenic by a well-established clinical consortium and/or database; Also known as 926ins10, 934_943dup10, or 943ins10; This variant is associated with the following publications: (PMID: 26071757, 32025337, 27742776, 22006311, 9150149, 15533909, 10417303, 25920394, 26681312, 25256238, 22739995, 28944232, 28503720, 30262796, 30720243, 30322717, 31331294, 25716084, 31447099, 32832836, 32341426, 33646313)

Human Genome Sequencing Center Clinical Lab, Baylor College of Medicine
Classification: Pathogenic for Breast-ovarian cancer, familial, susceptibility to, 1. Last evaluated: 2017-08-21. Review status: criteria provided, single submitter. Criteria: ACMG Guidelines, 2015. Collection method: clinical testing. Allele origin: germline. Not counted in ClinVar's aggregate classification.
Comment: The c.815_824 frameshift change in BRCA1 has been reported in multiple unrelated patients with breast, ovarian or prostate cancer [PMID 9150149, 10417303, 22006311, 15533909]. This variant is classified as pathogenic. It is recommended that the zygosity (heterozygous vs. mosaic) of this change be confirmed by Sanger sequencing as NGS variant calling may lead to skewed allele fractions for an indel of this size.

Baylor Genetics
Classification: Pathogenic for Familial cancer of breast. Last evaluated: 2017-02-23. Review status: criteria provided, single submitter. Criteria: ACMG Guidelines, 2015. Collection method: clinical testing. Allele origin: germline. Inheritance: Autosomal dominant inheritance. Affected: yes. Observed: 1 variant allele. Not counted in ClinVar's aggregate classification.

Genologica Medica
Classification: Pathogenic for Breast-ovarian cancer, familial, susceptibility to, 1. Last evaluated: 2017-01-01. Review status: criteria provided, single submitter. Criteria: ACMG Guidelines, 2015. Collection method: clinical testing. Allele origin: germline. Affected: yes. Not counted in ClinVar's aggregate classification.

Consortium of Investigators of Modifiers of BRCA1/2 (CIMBA), c/o University of Cambridge
Classification: Pathogenic for Breast-ovarian cancer, familial, susceptibility to, 1. Last evaluated: 2015-10-02. Review status: criteria provided, single submitter. Criteria: CIMBA Mutation Classification guidelines May 2016. Collection method: clinical testing. Allele origin: germline. Not counted in ClinVar's aggregate classification.

BRCAlab, Lund University
Classification: Pathogenic for Breast-ovarian cancer, familial, susceptibility to, 1. Last evaluated: 2020-03-02. Review status: no assertion criteria provided. Collection method: clinical testing. Allele origin: germline. Affected: yes. Not counted in ClinVar's aggregate classification.

Counsyl
Classification: Pathogenic for Breast-ovarian cancer, familial, susceptibility to, 1. Last evaluated: 2015-03-18. Review status: no assertion criteria provided. Collection method: clinical testing. Allele origin: unknown. Not counted in ClinVar's aggregate classification.

Centro de Genética y Biología Molecular, Universidad de San Martín de Porres
Classification: Pathogenic for Breast-ovarian cancer, familial, susceptibility to, 1. Last evaluated: 2015-03-09. Review status: no assertion criteria provided. Collection method: research. Allele origin: not applicable. Inheritance: Autosomal dominant inheritance. Study: Mutational analysis of BRCA1 and BRCA2 genes in peruvian families with hereditary breast and ovarian cancer. Not counted in ClinVar's aggregate classification.

Foulkes Cancer Genetics LDI, Lady Davis Institute for Medical Research
Classification: Pathogenic for Breast and/or ovarian cancer. Last evaluated: 2014-12-18. Review status: no assertion criteria provided. Collection method: clinical testing. Allele origin: germline. Study: The Canadian Open Genetics Repository (COGR). Not counted in ClinVar's aggregate classification.

OMIM
Classification: Pathogenic for BREAST-OVARIAN CANCER, FAMILIAL, SUSCEPTIBILITY TO, 1. Last evaluated: 1999-08-01. Review status: no assertion criteria provided. Collection method: literature only. Allele origin: germline. Not counted in ClinVar's aggregate classification.

GeneReviews
No classification provided. Condition: Hereditary breast ovarian cancer syndrome. Review status: no classification provided. Collection method: literature only. Allele origin: germline. Not counted in ClinVar's aggregate classification.
Comment: Founder variant in those of West African ancestry

Literature cited by the submitters: PubMed 20104584 (cited by Labcorp Genetics (formerly Invitae), Labcorp); PubMed 9150149 (cited by 6 submitters); PubMed 10417303 (cited by 9 submitters); PubMed 26681312 (cited by Labcorp Genetics (formerly Invitae), Labcorp and Color Diagnostics, LLC DBA Color Health); PubMed 28503720 (cited by 3 submitters); PubMed 28944232 (cited by 6 submitters); PubMed 32025337 (cited by 6 submitters); PubMed 33083949 (cited by Institute for Genomic Medicine (IGM) Clinical Laboratory, Nationwide Children's Hospital); PubMed 32375709 (cited by Dasa); PubMed 21989022 (cited by Dasa); PubMed 11802209 (cited by Dasa); PubMed 10480351 (cited by 3 submitters); PubMed 15533909 (cited by 3 submitters); PubMed 22739995 (cited by Ambry Genetics and Color Diagnostics, LLC DBA Color Health); PubMed 19241424 (cited by Color Diagnostics, LLC DBA Color Health and Counsyl); PubMed 20838878 (cited by Color Diagnostics, LLC DBA Color Health and Counsyl); PubMed 21120943 (cited by Color Diagnostics, LLC DBA Color Health and Quest Diagnostics Nichols Institute San Juan Capistrano); PubMed 21913181 (cited by Color Diagnostics, LLC DBA Color Health); PubMed 22006311 (cited by 4 submitters); PubMed 30322717 (cited by Color Diagnostics, LLC DBA Color Health and Quest Diagnostics Nichols Institute San Juan Capistrano); PubMed 32341426 (cited by Color Diagnostics, LLC DBA Color Health and Quest Diagnostics Nichols Institute San Juan Capistrano); PubMed 32832836 (cited by Color Diagnostics, LLC DBA Color Health and Quest Diagnostics Nichols Institute San Juan Capistrano); PubMed 33646313 (cited by Color Diagnostics, LLC DBA Color Health and Quest Diagnostics Nichols Institute San Juan Capistrano); PubMed 34413315 (cited by Color Diagnostics, LLC DBA Color Health and Mayo Clinic Laboratories, Mayo Clinic); PubMed 22762150 (cited by Quest Diagnostics Nichols Institute San Juan Capistrano); PubMed 30262796 (cited by Quest Diagnostics Nichols Institute San Juan Capistrano); PubMed 30720243 (cited by Quest Diagnostics Nichols Institute San Juan Capistrano); PubMed 31331294 (cited by Quest Diagnostics Nichols Institute San Juan Capistrano); PubMed 31447099 (cited by Quest Diagnostics Nichols Institute San Juan Capistrano); PubMed 26295337 (cited by Quest Diagnostics Nichols Institute San Juan Capistrano); PubMed 27767231 (cited by Mayo Clinic Laboratories, Mayo Clinic); PubMed 29903880 (cited by Mayo Clinic Laboratories, Mayo Clinic); PubMed 32438681 (cited by Mayo Clinic Laboratories, Mayo Clinic); PubMed 35858847 (cited by Mayo Clinic Laboratories, Mayo Clinic); PubMed 35875314 (cited by Mayo Clinic Laboratories, Mayo Clinic); PubMed 12491487 (cited by Counsyl); PubMed 11250694 (cited by Counsyl); NCBI Bookshelf NBK1247 (cited by GeneReviews).